The following is an entry in ClinVar:

NM_000090.4(COL3A1):c.1281G>A (p.Leu427=)

Gene: COL3A1 (collagen type III alpha 1 chain; plus strand). Cytogenetic location: 2q32.2.
Variant type: single nucleotide variant.
Coding change: c.1281G>A on transcript NM_000090.4 (MANE Select); coding-DNA position 1281, G replaced by A.
Protein change: p.Leu427=; no amino-acid change (leucine 427 retained).
Molecular consequence: synonymous variant.
Genome position (GRCh38, 1-based): chr2:188,994,320, G>A. VCF-style: chr2-188994320-G-A. GRCh37 (hg19) VCF-style: chr2-189859046-G-A.
Identifiers: ClinVar variation 920507 (VCV000920507.7), dbSNP rs750476636, ClinGen allele CA074066.
Genomic context (GRCh38, chr2:188,994,320, plus strand): 5'-TGGACTGATGGGAGCCCGGGGTCCTCCAGGACCAGCCGGTGCTAATGGTGCTCCTGGACT[G>A]CGAGGTGGTGCAGTAAGTTGCCTTGTTTTTTCTCTGTTGACTGAAAGGTATAGTTTAATT-3'
Protein context (NP_000081.2, residues 417-437): GPAGANGAPG[Leu427=]RGGAGEPGKN

ClinVar aggregate classification (germline): Likely benign. Review status: criteria provided, multiple submitters, no conflicts (2 of 4 stars). 4 submissions from 4 submitters: Likely benign (4). Last evaluated 2025-02-06.

Conditions:
Familial thoracic aortic aneurysm and aortic dissection (TAAD). Also called: Thoracic aortic aneurysms and dissections. Identifiers: Orphanet 91387, MedGen C4707243, MONDO:0019625.
Ehlers-Danlos syndrome, type 4 (EDSVASC). Also called: Ehlers-Danlos Syndrome Type IV; Ehlers-Danlos syndrome vascular type; Ehlers Danlos syndrome, ecchymotic type; Ehlers Danlos syndrome, arterial type; Ehlers Danlos syndrome, Sack-Barabas type. Identifiers: Orphanet 286, MedGen C0268338, MONDO:0017314, OMIM 130050.

Allele frequency attached by ClinVar (database versions not stated): gnomAD below 0.00001 and 0.00001.
gnomAD v4.1: 13 of 1,613,526 alleles (0.00081%); highest among the groups gnomAD compares: South Asian, 0.013%; no homozygotes.

Submissions (4):

Labcorp Genetics (formerly Invitae), Labcorp
Classification: Likely benign for Ehlers-Danlos syndrome, type 4. Last evaluated: 2025-02-06. Review status: criteria provided, single submitter. Criteria: Invitae Variant Classification Sherloc (09022015). Collection method: clinical testing. Allele origin: germline.

All of Us Research Program, National Institutes of Health
Classification: Likely benign for Ehlers-Danlos syndrome, type 4. Last evaluated: 2024-08-06. Review status: criteria provided, single submitter. Criteria: ACMG Guidelines, 2015. Collection method: clinical testing. Allele origin: germline. Inheritance: Autosomal dominant inheritance. Observed: 1 variant allele, 1 heterozygote.
Comment: This study involves interpretation of variants in research participants for the purpose of population health screening. Participant phenotype was not available at the time of variant classification. Additional details can be found in publication PMID: 35346344, PMCID: PMC8962531

Color Diagnostics, LLC DBA Color Health
Classification: Likely benign for Familial thoracic aortic aneurysm and aortic dissection. Last evaluated: 2020-02-09. Review status: criteria provided, single submitter. Criteria: ACMG Guidelines, 2015. Collection method: clinical testing. Allele origin: germline.

Blueprint Genetics
Classification: Likely benign. Last evaluated: 2018-09-21. Review status: criteria provided, single submitter. Criteria: ACMG Guidelines, 2015. Collection method: clinical testing. Allele origin: germline.